The following is an entry in ClinVar:

NM_006206.6(PDGFRA):c.390T>G (p.Pro130=)

Gene: PDGFRA (platelet derived growth factor receptor alpha; plus strand). Cytogenetic location: 4q12.
Variant type: single nucleotide variant.
Coding change: c.390T>G on transcript NM_006206.6 (MANE Select); coding-DNA position 390, T replaced by G.
Protein change: p.Pro130=; no amino-acid change (proline 130 retained).
Molecular consequence: synonymous variant.
Genome position (GRCh38, 1-based): chr4:54,263,689, T>G. VCF-style: chr4-54263689-T-G. GRCh37 (hg19) VCF-style: chr4-55129856-T-G.
Other names: c.390T>G (NM_006206.5, NM_006206.4); c.390T>G, p.Pro130= (NM_001347827.2, NM_001347829.2); c.465T>G, p.Pro155= (NM_001347828.2); c.429T>G, p.Pro143= (NM_001347830.2).
Identifiers: ClinVar variation 1543633 (VCV001543633.11), dbSNP rs1391618202, ClinGen allele CA439408648.

ClinVar aggregate classification (germline): Likely benign. Review status: criteria provided, multiple submitters, no conflicts (2 of 4 stars). 3 submissions from 3 submitters: Likely benign (2). 1 of the submissions does not count toward it. Last evaluated 2025-04-20.

Conditions:
Hereditary cancer-predisposing syndrome. Also called: Tumor predisposition; Neoplastic Syndromes, Hereditary; Hereditary Cancer Syndrome; Hereditary neoplastic syndrome. Identifiers: Orphanet 140162, MedGen C0027672, MeSH D009386, MONDO:0015356.
PDGFRA-related disorder. Also called: PDGFRA-related condition.
Gastrointestinal stromal tumor. Also called: Gastrointestinal stromal tumor, somatic; Gastrointestinal stroma tumor. Identifiers: Orphanet 44890, MedGen C0238198, MeSH D046152, MONDO:0011719, OMIM 606764, HP:0100723.

Allele frequency attached by ClinVar (database versions not stated): gnomAD exomes below 0.00001.
gnomAD v4.1: 1 of 1,613,998 alleles (0.000062%); highest among the groups gnomAD compares: Admixed American, 0.0017%; no homozygotes.

Submissions (3):

Labcorp Genetics (formerly Invitae), Labcorp
Classification: Likely benign for Gastrointestinal stromal tumor. Last evaluated: 2025-04-20. Review status: criteria provided, single submitter. Criteria: Invitae Variant Classification Sherloc (09022015). Collection method: clinical testing. Allele origin: germline.

Ambry Genetics
Classification: Likely benign for Hereditary cancer-predisposing syndrome. Last evaluated: 2025-03-10. Review status: criteria provided, single submitter. Criteria: Ambry Variant Classification Scheme 2023. Collection method: clinical testing. Allele origin: germline.

PreventionGenetics, part of Exact Sciences
Classification: Likely benign for PDGFRA-related condition. Last evaluated: 2023-10-25. Review status: no assertion criteria provided. Collection method: clinical testing. Allele origin: germline. Not counted in ClinVar's aggregate classification.
Comment: This variant is classified as likely benign based on ACMG/AMP sequence variant interpretation guidelines (Richards et al. 2015 PMID: 25741868, with internal and published modifications).